The following is an entry in ClinVar:

NM_020366.4(RPGRIP1):c.686G>T (p.Ser229Ile)

Gene: RPGRIP1 (RPGR interacting protein 1; plus strand). Cytogenetic location: 14q11.2.
Variant type: single nucleotide variant.
Coding change: c.686G>T on transcript NM_020366.4 (MANE Select); coding-DNA position 686, G replaced by T.
Protein change: p.Ser229Ile; replaces serine 229 with isoleucine.
Molecular consequence: missense variant.
Genome position (GRCh38, 1-based): chr14:21,303,429, G>T. VCF-style: chr14-21303429-G-T. GRCh37 (hg19) VCF-style: chr14-21771588-G-T.
Other names: short protein forms S229I.
Identifiers: ClinVar variation 1429998 (VCV001429998.7), dbSNP rs768832924, ClinGen allele CA7088731.

ClinVar aggregate classification (germline): Uncertain significance (1 of 4 stars; one submission).

Conditions:
Leber congenital amaurosis 6 (LCA6). Identifiers: Orphanet 65, MedGen C1854260, MONDO:0013446, OMIM 613826.
Cone-rod dystrophy 13 (CORD13). Identifiers: Orphanet 1872, MedGen C2750720, MONDO:0011987, OMIM 608194.

Allele frequency attached by ClinVar (database versions not stated): gnomAD 0.00001; gnomAD exomes 0.00001 and 0.00003; ExAC 0.00003.
gnomAD v4.1: 22 of 1,613,596 alleles (0.0014%); highest among the groups gnomAD compares: South Asian, 0.024%; no homozygotes.

Submission:

Labcorp Genetics (formerly Invitae), Labcorp
Classification: Uncertain significance for Leber congenital amaurosis 6; Cone-rod dystrophy 13. Last evaluated: 2024-02-24. Review status: criteria provided, single submitter. Criteria: Invitae Variant Classification Sherloc (09022015). Collection method: clinical testing. Allele origin: germline.
Comment: This sequence change replaces serine, which is neutral and polar, with isoleucine, which is neutral and non-polar, at codon 229 of the RPGRIP1 protein (p.Ser229Ile). This variant is present in population databases (rs768832924, gnomAD 0.02%). This variant has not been reported in the literature in individuals affected with RPGRIP1-related conditions. ClinVar contains an entry for this variant (Variation ID: 1429998). Advanced modeling of protein sequence and biophysical properties (such as structural, functional, and spatial information, amino acid conservation, physicochemical variation, residue mobility, and thermodynamic stability) performed at Invitae indicates that this missense variant is expected to disrupt RPGRIP1 protein function with a positive predictive value of 80%. In summary, the available evidence is currently insufficient to determine the role of this variant in disease. Therefore, it has been classified as a Variant of Uncertain Significance.